The following is an entry in ClinVar:

NM_000936.4(PNLIP):c.148del (p.Asp50fs)

Gene: PNLIP (pancreatic lipase; plus strand). Cytogenetic location: 10q25.3.
Variant type: Deletion.
Coding change: c.148del on transcript NM_000936.4 (MANE Select); coding-DNA position 148, one base deleted (G; older notation c.148delG).
Protein change: p.Asp50fs; shifts the reading frame from aspartic acid 50.
Molecular consequence: frameshift variant.
Genome position (GRCh38, 1-based): chr10:116,547,395, G deleted. VCF-style (leftmost placement, unchanged base first): chr10-116547394-AG-A. GRCh37 (hg19) VCF-style: chr10-118306906-AG-A.
Other names: short protein forms D50fs.
Identifiers: ClinVar variation 2898184 (VCV002898184.3), dbSNP rs1209270051, ClinGen allele CA596149233.
Genomic context (GRCh38, chr10:116,547,394, plus strand): 5'-TGACTCCCCATGGTCAGGAATTACGGAAAGACCCCTCCATATATTGCCTTGGTCTCCAAA[AG>A]ATGTCAACACCCGCTTCCTCCTATATACTAATGAGAACCCAAACAACTTTCAAGTAAGAA-3'

ClinVar aggregate classification (germline): Pathogenic (1 of 4 stars; one submission).

Allele frequency attached by ClinVar (database versions not stated): TOPMed 0.00001; gnomAD 0.00002.

Submission:

Labcorp Genetics (formerly Invitae), Labcorp
Classification: Pathogenic. Last evaluated: 2024-04-25. Review status: criteria provided, single submitter. Criteria: Invitae Variant Classification Sherloc (09022015). Collection method: clinical testing. Allele origin: germline.
Comment: This sequence change creates a premature translational stop signal (p.Asp50Metfs*46) in the PNLIP gene. It is expected to result in an absent or disrupted protein product. Loss-of-function variants in PNLIP are known to be pathogenic (PMID: 31977950, 35284057). This variant is present in population databases (no rsID available, gnomAD 0.01%). This variant has not been reported in the literature in individuals affected with PNLIP-related conditions. Algorithms developed to predict the effect of sequence changes on RNA splicing suggest that this variant may disrupt the consensus splice site. For these reasons, this variant has been classified as Pathogenic.

Literature cited by the submitters: PubMed 31977950; PubMed 35284057.